The following is an entry in ClinVar:

NM_006648.4(WNK2):c.2794G>A (p.Val932Met)

Gene: WNK2 (WNK lysine deficient protein kinase 2; plus strand). Cytogenetic location: 9q22.31.
Variant type: single nucleotide variant.
Coding change: c.2794G>A on transcript NM_006648.4 (MANE Select); coding-DNA position 2794, G replaced by A.
Protein change: p.Val932Met; replaces valine 932 with methionine.
Molecular consequence: missense variant.
Genome position (GRCh38, 1-based): chr9:93,259,342, G>A. VCF-style: chr9-93259342-G-A. GRCh37 (hg19) VCF-style: chr9-96021624-G-A.
Other names: c.2794G>A, p.Val932Met (NM_001282394.3); short protein forms V932M.
Identifiers: ClinVar variation 4605420 (VCV004605420.1).
Genomic context (GRCh38, chr9:93,259,342, plus strand): 5'-TACCCAGCGGCCTTCCCACAGATGGCGCCTACTGACGTCCCTCCTTCCCCCCATCACACG[G>A]TGCAGAATATGAGGGCCACCCCTCCACAGCCGGCACTGCCTCCACAACCCACACTGCCCC-3'
Protein context (NP_006639.3, residues 922-942): TDVPPSPHHT[Val932Met]QNMRATPPQP

ClinVar aggregate classification (germline): Uncertain significance (1 of 4 stars; one submission).

Submission:

Ambry Genetics
Classification: Uncertain significance. Last evaluated: 2025-12-07. Review status: criteria provided, single submitter. Criteria: Ambry Variant Classification Scheme 2023. Collection method: clinical testing. Allele origin: germline.
Comment: The p.V932M variant (also known as c.2794G>A), located in coding exon 11 of the WNK2 gene, results from a G to A substitution at nucleotide position 2794. The valine at codon 932 is replaced by methionine, an amino acid with highly similar properties. This amino acid position is conserved. In addition, this alteration is predicted to be tolerated by in silico analysis. Based on the available evidence, the clinical significance of this variant remains unclear.